The following is an entry in ClinVar:

NM_005188.4(CBL):c.1394A>G (p.Asp465Gly)

Gene: CBL (Cbl proto-oncogene; plus strand). Cytogenetic location: 11q23.3.
Variant type: single nucleotide variant.
Coding change: c.1394A>G on transcript NM_005188.4 (MANE Select); coding-DNA position 1394, A replaced by G.
Protein change: p.Asp465Gly; replaces aspartic acid 465 with glycine.
Molecular consequence: missense variant.
Genome position (GRCh38, 1-based): chr11:119,278,676, A>G. VCF-style: chr11-119278676-A-G. GRCh37 (hg19) VCF-style: chr11-119149386-A-G.
Other names: short protein forms D465G.
Identifiers: ClinVar variation 5033749 (VCV005033749.1).

ClinVar aggregate classification (germline): Uncertain significance (1 of 4 stars; one submission).

Conditions:
Cardiovascular phenotype. Identifiers: MedGen CN230736.

gnomAD v4.1: 1 of 1,614,048 alleles (0.000062%); highest among the groups gnomAD compares: South Asian, 0.0011%; no homozygotes.

Submission:

Ambry Genetics
Classification: Uncertain significance for Cardiovascular phenotype. Last evaluated: 2026-07-19. Review status: criteria provided, single submitter. Criteria: Ambry Variant Classification Scheme 2023. Collection method: clinical testing. Allele origin: germline.
Comment: The p.D465G variant (also known as c.1394A>G), located in coding exon 9 of the CBL gene, results from an A to G substitution at nucleotide position 1394. The aspartic acid at codon 465 is replaced by glycine, an amino acid with similar properties. This amino acid position is conserved. In addition, the in silico prediction for this alteration is inconclusive. Based on the available evidence, the clinical significance of this variant remains unclear.